The following is an entry in ClinVar:

NM_004370.6(COL12A1):c.6899A>T (p.Glu2300Val)

Gene: COL12A1 (collagen type XII alpha 1 chain; minus strand). Cytogenetic location: 6q13.
Variant type: single nucleotide variant.
Coding change: c.6899A>T on transcript NM_004370.6 (MANE Select); coding-DNA position 6899, A replaced by T.
Protein change: p.Glu2300Val; replaces glutamic acid 2300 with valine.
Molecular consequence: missense variant.
Genome position (GRCh38, 1-based): chr6:75,123,377, T>A on the plus strand (A>T on the coding strand, the complement: COL12A1 is on the minus strand). VCF-style: chr6-75123377-T-A. GRCh37 (hg19) VCF-style: chr6-75833093-T-A.
Other names: c.6899A>T, p.Glu2300Val (NM_001424113.1); c.6878A>T, p.Glu2293Val (NM_001424114.1); c.6626A>T, p.Glu2209Val (NM_001424115.1); c.3407A>T, p.Glu1136Val (NM_001424116.1, NM_080645.3); short protein forms E2209V, E2293V, E2300V, E1136V.
Identifiers: ClinVar variation 4782432 (VCV004782432.1).

ClinVar aggregate classification (germline): Uncertain significance (1 of 4 stars; one submission).

Conditions:
Ullrich congenital muscular dystrophy 2 (UCMD2). Identifiers: Orphanet 75840, MedGen C4225314, MONDO:0014654, OMIM 616470.
Bethlem myopathy 2 (BTHLM2). Identifiers: Orphanet 536516, Orphanet 610, MedGen C4225313, MONDO:0034022, OMIM 616471.

Submission:

Labcorp Genetics (formerly Invitae), Labcorp
Classification: Uncertain significance for Bethlem myopathy 2; Ullrich congenital muscular dystrophy 2. Last evaluated: 2025-08-20. Review status: criteria provided, single submitter. Criteria: Invitae Variant Classification Sherloc (09022015). Collection method: clinical testing. Allele origin: germline.
Comment: This sequence change replaces glutamic acid, which is acidic and polar, with valine, which is neutral and non-polar, at codon 2300 of the COL12A1 protein (p.Glu2300Val). This variant is not present in population databases (gnomAD no frequency). This variant has not been reported in the literature in individuals affected with COL12A1-related conditions. Invitae Evidence Modeling of protein sequence and biophysical properties (such as structural, functional, and spatial information, amino acid conservation, physicochemical variation, residue mobility, and thermodynamic stability) indicates that this missense variant is not expected to disrupt COL12A1 protein function with a negative predictive value of 80%. In summary, the available evidence is currently insufficient to determine the role of this variant in disease. Therefore, it has been classified as a Variant of Uncertain Significance.